The following is an entry in ClinVar:

NM_058246.4(DNAJB6):c.923A>G (p.Lys308Arg)

Gene: DNAJB6 (DnaJ heat shock protein family (Hsp40) member B6; plus strand). Cytogenetic location: 7q36.3.
Variant type: single nucleotide variant.
Coding change: c.923A>G on transcript NM_058246.4 (MANE Select); coding-DNA position 923, A replaced by G.
Protein change: p.Lys308Arg; replaces lysine 308 with arginine.
Molecular consequence: missense variant.
Genome position (GRCh38, 1-based): chr7:157,416,040, A>G. VCF-style: chr7-157416040-A-G. GRCh37 (hg19) VCF-style: chr7-157208734-A-G.
Other names: c.578A>G, p.Lys193Arg (NM_001363676.1); short protein forms K308R, K193R.
Identifiers: ClinVar variation 288290 (VCV000288290.8), dbSNP rs760098587, ClinGen allele CA4590674.

ClinVar aggregate classification (germline): Uncertain significance. Review status: criteria provided, multiple submitters, no conflicts (2 of 4 stars). 2 submissions from 2 submitters: Uncertain significance (2). Last evaluated 2023-10-10.

Conditions:
Autosomal dominant limb-girdle muscular dystrophy type 1D (DNAJB6) (LGMDD1). Also called: MUSCULAR DYSTROPHY, LIMB-GIRDLE, TYPE 1D; MUSCULAR DYSTROPHY, AUTOSOMAL DOMINANT, WITH RIMMED VACUOLES; Autosomal dominant limb-girdle muscular dystrophy type 1D; Muscular dystrophy, limb-girdle, autosomal dominant 1. Identifiers: Orphanet 34516, MedGen C4721885, MONDO:0021018, OMIM 603511.

Allele frequency attached by ClinVar (database versions not stated): gnomAD exomes below 0.00001 and 0.00001; TOPMed below 0.00001; gnomAD 0.00001; ExAC 0.00002.
gnomAD v4.1: 5 of 1,614,088 alleles (0.00031%); highest among the groups gnomAD compares: African/African-American, 0.0013%; no homozygotes.

Submissions (2):

Labcorp Genetics (formerly Invitae), Labcorp
Classification: Uncertain significance for Autosomal dominant limb-girdle muscular dystrophy type 1D (DNAJB6). Last evaluated: 2023-10-10. Review status: criteria provided, single submitter. Criteria: Invitae Variant Classification Sherloc (09022015). Collection method: clinical testing. Allele origin: germline.
Comment: This sequence change replaces lysine, which is basic and polar, with arginine, which is basic and polar, at codon 308 of the DNAJB6 protein (p.Lys308Arg). This variant is present in population databases (rs760098587, gnomAD 0.002%). This variant has not been reported in the literature in individuals affected with DNAJB6-related conditions. ClinVar contains an entry for this variant (Variation ID: 288290). Advanced modeling of protein sequence and biophysical properties (such as structural, functional, and spatial information, amino acid conservation, physicochemical variation, residue mobility, and thermodynamic stability) performed at Invitae indicates that this missense variant is not expected to disrupt DNAJB6 protein function. In summary, the available evidence is currently insufficient to determine the role of this variant in disease. Therefore, it has been classified as a Variant of Uncertain Significance.

Eurofins Ntd Llc (ga)
Classification: Uncertain significance. Last evaluated: 2016-06-22. Review status: criteria provided, single submitter. Criteria: EGL Classification Definitions 2015. Collection method: clinical testing. Allele origin: germline. Observed: 1 variant allele, 1 heterozygote.